The following is an entry in ClinVar:

ClinVar aggregate classification (germline): Uncertain significance. Review status: criteria provided, multiple submitters, no conflicts (2 of 4 stars). 3 submissions from 3 submitters: Uncertain significance (3). Last evaluated 2023-08-29.

Conditions:
Progressive sclerosing poliodystrophy (MTDPS4A). Also called: ALPERS DIFFUSE DEGENERATION OF CEREBRAL GRAY MATTER WITH HEPATIC CIRRHOSIS; Alpers-Huttenlocher Syndrome; ALPERS PROGRESSIVE INFANTILE POLIODYSTROPHY; NEURONAL DEGENERATION OF CHILDHOOD WITH LIVER DISEASE, PROGRESSIVE; Mitochondrial DNA Depletion Syndrome 4A; Alpers-Huttenlocher Syndrome (AHS). Identifiers: Orphanet 726, MedGen C0205710, MONDO:0008758, OMIM 203700.

Allele frequency attached by ClinVar (database versions not stated): gnomAD 0.00001; TOPMed 0.00002; gnomAD exomes 0.00008.
gnomAD v4.1: 103 of 1,536,306 alleles (0.0067%); highest among the groups gnomAD compares: Non-Finnish European, 0.0089%; no homozygotes.

Submissions (3):

Athena Diagnostics
Classification: Uncertain significance. Last evaluated: 2023-08-29. Review status: criteria provided, single submitter. Criteria: Athena Diagnostics Criteria. Collection method: clinical testing. Allele origin: unknown.
Comment: Available data are insufficient to determine the clinical significance of the variant at this time. The frequency of this variant in the general population is uninformative in assessment of its pathogenicity. Computational tools disagree on the variant's effect on normal protein function.

Labcorp Genetics (formerly Invitae), Labcorp
Classification: Uncertain significance for Progressive sclerosing poliodystrophy. Last evaluated: 2022-09-05. Review status: criteria provided, single submitter. Criteria: Invitae Variant Classification Sherloc (09022015). Collection method: clinical testing. Allele origin: germline.
Comment: This sequence change replaces leucine, which is neutral and non-polar, with phenylalanine, which is neutral and non-polar, at codon 203 of the POLG protein (p.Leu203Phe). This variant is not present in population databases (gnomAD no frequency). This variant has not been reported in the literature in individuals affected with POLG-related conditions. ClinVar contains an entry for this variant (Variation ID: 206580). Algorithms developed to predict the effect of missense changes on protein structure and function (SIFT, PolyPhen-2, Align-GVGD) all suggest that this variant is likely to be tolerated. In summary, the available evidence is currently insufficient to determine the role of this variant in disease. Therefore, it has been classified as a Variant of Uncertain Significance.

GeneDx
Classification: Uncertain significance. Last evaluated: 2013-06-19. Review status: criteria provided, single submitter. Criteria: GeneDx Variant Classification (06012015). Collection method: clinical testing. Allele origin: germline. Affected: yes.
Comment: p.Leu203Phe (TTG>TTC): c.609 G>C in exon 2 of the POLG gene (NM_002693.2). The Leu203Phe missense change has not been published as a mutation, nor has it been reported as a benign polymorphism to our knowledge. It was not observed in approximately 6,500 individuals of European and African American ancestry in the NHLBI Exome Sequencing Project, indicating it is not a common benign variant in these populations. The amino acid substitution is conservative, as Leucine and Phenylalanine are both uncharged, non-polar amino acids. It alters a position that is conserved through mammals but is not conserved in more distant species through evolution. Multiple in silico algorithms predict it is likely benign. Therefore, based on the currently available information, it is unclear whether Leu203Phe is a disease-causing mutation or a rare benign variant. The variant is found in EPILEPSY panel(s).

NM_002693.3(POLG):c.609G>C (p.Leu203Phe)

Genes: POLG (DNA polymerase gamma, catalytic subunit; minus strand), POLGARF (POLG alternative reading frame; minus strand). Cytogenetic location: 15q26.1.
Variant type: single nucleotide variant.
Coding change: c.609G>C on transcript NM_002693.3 (MANE Select); coding-DNA position 609, G replaced by C.
Protein change: p.Leu203Phe; replaces leucine 203 with phenylalanine.
Molecular consequence: missense variant.
Genome position (GRCh38, 1-based): chr15:89,333,146, C>G on the plus strand (G>C on the coding strand, the complement: POLG is on the minus strand). VCF-style: chr15-89333146-C-G. GRCh37 (hg19) VCF-style: chr15-89876377-C-G.
Other names: p.L203F:TTG>TTC; c.609G>C, p.Leu203Phe (NM_001126131.2); short protein forms L203F.
Identifiers: ClinVar variation 206580 (VCV000206580.8), dbSNP rs796052900, ClinGen allele CA316804.
Genomic context (GRCh38, chr15:89,333,146, plus strand): 5'-CCCTACTTACCAGGCCGAGGGGGATATGGCCACCGCCAATGTGGGGCAAGTTCCCTCTGC[C>G]AAGCAGACCTCCACGTCGAACACCAGGGCCCGCTCCTCGGGGATGGCCACGGGTACGGCC-3'
Protein context (NP_002684.1, residues 193-213): RALVFDVEVC[Leu203Phe]AEGTCPTLAV